The following is an entry in ClinVar:

NM_000059.4(BRCA2):c.5355_5356del (p.Ser1786fs)

Gene: BRCA2 (BRCA2 DNA repair associated; plus strand). Cytogenetic location: 13q13.1.
Variant type: Deletion.
Coding change: c.5355_5356del on transcript NM_000059.4 (MANE Select); coding-DNA positions 5355 to 5356, 2 bases deleted (TA; older notation c.5355_5356delTA).
Protein change: p.Ser1786fs; shifts the reading frame from serine 1786.
Molecular consequence: frameshift variant.
Genome position (GRCh38, 1-based): chr13:32,339,710-32,339,711, TA deleted. VCF-style (leftmost placement, unchanged base first): chr13-32339709-CTA-C. GRCh37 (hg19) VCF-style: chr13-32913846-CTA-C.
Other names: c.5355_5356delTA (NM_000059.3); short protein forms S1786fs.
Identifiers: ClinVar variation 441483 (VCV000441483.5), dbSNP rs1555284191, ClinGen allele CA658653677.

ClinVar aggregate classification (germline): Pathogenic. Review status: reviewed by expert panel (3 of 4 stars). 2 submissions from 2 submitters: Pathogenic (1). 1 of the submissions does not count toward it. Last evaluated 2017-12-15.

Conditions:
Breast-ovarian cancer, familial, susceptibility to, 2 (BROVCA2). Also called: BRCA2 Hereditary Breast and Ovarian Cancer. Identifiers: Orphanet 145, MedGen C2675520, MONDO:0012933, OMIM 612555. Disease mechanism: loss of function.
Hereditary cancer-predisposing syndrome. Also called: Hereditary Cancer Syndrome; Hereditary neoplastic syndrome; Tumor predisposition; Neoplastic Syndromes, Hereditary. Identifiers: Orphanet 140162, MedGen C0027672, MeSH D009386, MONDO:0015356.

Submissions (2):

Evidence-based Network for the Interpretation of Germline Mutant Alleles (ENIGMA)
Classification: Pathogenic for Breast-ovarian cancer, familial, susceptibility to, 2. Last evaluated: 2017-12-15. Review status: reviewed by expert panel. Criteria: ENIGMA BRCA1/2 Classification Criteria (2017-06-29). Collection method: curation. Allele origin: germline. Study: ENIGMA.
Comment: Variant allele predicted to encode a truncated non-functional protein.

Ambry Genetics
Classification: Pathogenic for Hereditary cancer-predisposing syndrome. Last evaluated: 2016-09-21. Review status: criteria provided, single submitter. Criteria: Ambry Variant Classification Scheme 2023. Collection method: clinical testing. Allele origin: germline. Not counted in ClinVar's aggregate classification.
Comment: The c.5355_5356delTA pathogenic mutation, located in coding exon 10 of the BRCA2 gene, results from a deletion of two nucleotides at nucleotide positions 5355 to 5356, causing a translational frameshift with a predicted alternate stop codon. This alteration is expected to result in loss of function by premature protein truncation or nonsense-mediated mRNA decay. As such, this alteration is interpreted as a disease-causing mutation.